The following is an entry in ClinVar:

NM_001041.4(SI):c.4791G>A (p.Met1597Ile)

Gene: SI (sucrase-isomaltase; minus strand). Cytogenetic location: 3q26.1.
Variant type: single nucleotide variant.
Coding change: c.4791G>A on transcript NM_001041.4 (MANE Select); coding-DNA position 4791, G replaced by A.
Protein change: p.Met1597Ile; replaces methionine 1597 with isoleucine.
Molecular consequence: missense variant.
Genome position (GRCh38, 1-based): chr3:164,994,307, C>T on the plus strand (G>A on the coding strand, the complement: SI is on the minus strand). VCF-style: chr3-164994307-C-T. GRCh37 (hg19) VCF-style: chr3-164712095-C-T.
Other names: short protein forms M1597I.
Identifiers: ClinVar variation 1484579 (VCV001484579.5), dbSNP rs758507059, ClinGen allele CA2689790.

ClinVar aggregate classification (germline): Uncertain significance (1 of 4 stars; one submission).

Allele frequency attached by ClinVar (database versions not stated): ExAC 0.00001; gnomAD 0.00001; gnomAD exomes 0.00001 and 0.00002; TOPMed 0.00001.

Submission:

Labcorp Genetics (formerly Invitae), Labcorp
Classification: Uncertain significance. Last evaluated: 2024-10-04. Review status: criteria provided, single submitter. Criteria: Invitae Variant Classification Sherloc (09022015). Collection method: clinical testing. Allele origin: germline.
Comment: This sequence change replaces methionine, which is neutral and non-polar, with isoleucine, which is neutral and non-polar, at codon 1597 of the SI protein (p.Met1597Ile). This variant is present in population databases (rs758507059, gnomAD 0.002%). This variant has not been reported in the literature in individuals affected with SI-related conditions. ClinVar contains an entry for this variant (Variation ID: 1484579). Invitae Evidence Modeling of protein sequence and biophysical properties (such as structural, functional, and spatial information, amino acid conservation, physicochemical variation, residue mobility, and thermodynamic stability) has been performed for this missense variant. However, the output from this modeling did not meet the statistical confidence thresholds required to predict the impact of this variant on SI protein function. In summary, the available evidence is currently insufficient to determine the role of this variant in disease. Therefore, it has been classified as a Variant of Uncertain Significance.